The following is an entry in ClinVar:

NC_000004.12:g.(?_127965062)_(127965143_?)del

Gene: MFSD8 (major facilitator superfamily domain containing 8; minus strand). Cytogenetic location: 4q28.2.
Variant type: Deletion.
Identifiers: ClinVar variation 832802 (VCV000832802.1).

ClinVar aggregate classification (germline): Pathogenic (1 of 4 stars; one submission).

Conditions:
Neuronal ceroid lipofuscinosis 7 (CLN7). Also called: MFSD8-Related Neuronal Ceroid-Lipofuscinosis. Identifiers: Orphanet 168491, Orphanet 228366, MedGen C1838571, MONDO:0012588, OMIM 610951.

Submission:

Labcorp Genetics (formerly Invitae), Labcorp
Classification: Pathogenic for Ceroid lipofuscinosis neuronal 7. Last evaluated: 2019-05-07. Review status: criteria provided, single submitter. Criteria: Invitae Variant Classification Sherloc (09022015). Collection method: clinical testing. Allele origin: germline.
Comment: This variant is a gross deletion of the genomic region encompassing exon 2 of the MFSD8 gene, which includes the initiator codon This is expected to result in an absent or disrupted protein product. This variant has not been reported in the literature in individuals with MFSD8-related conditions. Loss-of-function variants in MFSD8 are known to be pathogenic (PMID: 19177532, 25227500, 28586915). For these reasons, this variant has been classified as Pathogenic.